The following is an entry in ClinVar:

ClinVar aggregate classification (germline): Uncertain significance. Review status: criteria provided, multiple submitters, no conflicts (2 of 4 stars). 2 submissions from 2 submitters: Uncertain significance (2). Last evaluated 2022-04-20.

Conditions:
Hereditary cancer-predisposing syndrome. Also called: Tumor predisposition; Hereditary neoplastic syndrome; Hereditary Cancer Syndrome; Neoplastic Syndromes, Hereditary. Identifiers: Orphanet 140162, MedGen C0027672, MeSH D009386, MONDO:0015356.
BAP1-related tumor predisposition syndrome (TPDS1). Also called: Tumor susceptibility linked to germline BAP1 mutations; COMMON Syndrome; TUMOR PREDISPOSITION SYNDROME 1; BAP1 tumor predisposition syndrome. Identifiers: Orphanet 289539, MedGen C3280492, MONDO:0013692, OMIM 614327.

Submissions (2):

Ambry Genetics
Classification: Uncertain significance for Hereditary cancer-predisposing syndrome. Last evaluated: 2022-04-20. Review status: criteria provided, single submitter. Criteria: Ambry Variant Classification Scheme 2023. Collection method: clinical testing. Allele origin: germline.
Comment: The p.S414T variant (also known as c.1240T>A), located in coding exon 12 of the BAP1 gene, results from a T to A substitution at nucleotide position 1240. The serine at codon 414 is replaced by threonine, an amino acid with similar properties. This amino acid position is conserved. In addition, this alteration is predicted to be tolerated by in silico analysis. Since supporting evidence is limited at this time, the clinical significance of this alteration remains unclear.

Labcorp Genetics (formerly Invitae), Labcorp
Classification: Uncertain significance for BAP1-related tumor predisposition syndrome. Last evaluated: 2019-07-30. Review status: criteria provided, single submitter. Criteria: Invitae Variant Classification Sherloc (09022015). Collection method: clinical testing. Allele origin: germline.
Comment: In summary, the available evidence is currently insufficient to determine the role of this variant in disease. Therefore, it has been classified as a Variant of Uncertain Significance. Algorithms developed to predict the effect of missense changes on protein structure and function (SIFT, PolyPhen-2, Align-GVGD) all suggest that this variant is likely to be tolerated, but these predictions have not been confirmed by published functional studies and their clinical significance is uncertain. This variant has not been reported in the literature in individuals with BAP1-related conditions. This variant is not present in population databases (ExAC no frequency). This sequence change replaces serine with threonine at codon 414 of the BAP1 protein (p.Ser414Thr). The serine residue is moderately conserved and there is a small physicochemical difference between serine and threonine.

NM_004656.4(BAP1):c.1240T>A (p.Ser414Thr)

Gene: BAP1 (BRCA1 associated deubiquitinase 1; minus strand). Cytogenetic location: 3p21.1.
Variant type: single nucleotide variant.
Coding change: c.1240T>A on transcript NM_004656.4 (MANE Select); coding-DNA position 1240, T replaced by A.
Protein change: p.Ser414Thr; replaces serine 414 with threonine.
Molecular consequence: missense variant.
Genome position (GRCh38, 1-based): chr3:52,404,463, A>T on the plus strand (T>A on the coding strand, the complement: BAP1 is on the minus strand). VCF-style: chr3-52404463-A-T. GRCh37 (hg19) VCF-style: chr3-52438479-A-T.
Other names: short protein forms S414T.
Identifiers: ClinVar variation 963488 (VCV000963488.9), dbSNP rs1705080146, ClinGen allele CA353102743.